The following is an entry in ClinVar:

ClinVar aggregate classification (germline): Likely pathogenic (1 of 4 stars; one submission).

Conditions:
Severe combined immunodeficiency due to CARMIL2 deficiency. Also called: IMMUNODEFICIENCY 58. Identifiers: Orphanet 542301, MedGen C4748304, MONDO:0029134, OMIM 618131.

Allele frequency attached by ClinVar (database versions not stated): gnomAD exomes below 0.00001.
gnomAD v4.1: 4 of 1,608,118 alleles (0.00025%); highest among the groups gnomAD compares: Non-Finnish European, 0.00034%; no homozygotes.

Submission:

Neuberg Centre For Genomic Medicine, NCGM
Classification: Likely pathogenic for Severe combined immunodeficiency due to CARMIL2 deficiency. Review status: criteria provided, single submitter. Criteria: ACMG Guidelines, 2015. Collection method: clinical testing. Allele origin: germline. Inheritance: Autosomal recessive inheritance. Affected: yes.
Comment: The stop gained variant c.1528C>T (p.Gln510Ter) in CARMIL2 gene has not been reported previously as a pathogenic variant nor as a benign variant, to our knowledge. The variant is novel (not in any individuals) in 1000 Genomes and allele frequency of 0.0004206% is reported in gnomAD. The nucleotide change in CARMIL2 is predicted as conserved by GERP++ and PhyloP across 100 vertebrates. Loss of function variants have been previously reported to be disease causing. For these reasons, this variant has been classified as Likely Pathogenic .

NM_001013838.3(CARMIL2):c.1528C>T (p.Gln510Ter)

Gene: CARMIL2 (capping protein regulator and myosin 1 linker 2; plus strand). Cytogenetic location: 16q22.1.
Variant type: single nucleotide variant.
Coding change: c.1528C>T on transcript NM_001013838.3 (MANE Select); coding-DNA position 1528, C replaced by T.
Protein change: p.Gln510Ter; replaces glutamine 510 with a stop codon.
Molecular consequence: nonsense.
Genome position (GRCh38, 1-based): chr16:67,648,911, C>T. VCF-style: chr16-67648911-C-T. GRCh37 (hg19) VCF-style: chr16-67682814-C-T.
Other names: c.1420C>T, p.Gln474Ter (NM_001317026.3); short protein forms Q510*, Q474*.
Identifiers: ClinVar variation 2585317 (VCV002585317.1), dbSNP rs1278614363, ClinGen allele CA396336953.